The following is an entry in ClinVar:

NM_015046.7(SETX):c.1254C>T (p.Leu418=)

Gene: SETX (senataxin; minus strand). Cytogenetic location: 9q34.13.
Variant type: single nucleotide variant.
Coding change: c.1254C>T on transcript NM_015046.7 (MANE Select); coding-DNA position 1254, C replaced by T.
Protein change: p.Leu418=; no amino-acid change (leucine 418 retained).
Molecular consequence: synonymous variant.
Genome position (GRCh38, 1-based): chr9:132,330,344, G>A on the plus strand (C>T on the coding strand, the complement: SETX is on the minus strand). VCF-style: chr9-132330344-G-A. GRCh37 (hg19) VCF-style: chr9-135205731-G-A.
Other names: c.1254C>T, p.Leu418= (NM_001351527.2, NM_001351528.2).
Identifiers: ClinVar variation 4978863 (VCV004978863.1).
Genomic context (GRCh38, chr9:132,330,344, plus strand): 5'-AGAGTACAGATGATTAACAACCTGTGCTATGTAAGCCACACCCAAATCCTTAAGATCCAT[G>A]AGGGACTGGACAAAAGGGATGAACCATAGAAATGTGCTGTTATGAACACGCATGTCTTGA-3'
Protein context (NP_055861.3, residues 408-428): FLWFIPFVQS[Leu418=]MDLKDLGVAY

ClinVar aggregate classification (germline): Likely benign (1 of 4 stars; one submission).

Conditions:
SETX-related disorder. Also called: SETX-related condition; SETX-related disorders. Identifiers: MedGen CN239403.

gnomAD v4.1: 46 of 1,613,916 alleles (0.0029%); highest among the groups gnomAD compares: Non-Finnish European, 0.0037%; no homozygotes.

Submission:

PreventionGenetics, part of Exact Sciences
Classification: Likely benign for SETX-related condition. Last evaluated: 2025-07-16. Review status: criteria provided, single submitter. Criteria: ACMG Guidelines, 2015. Collection method: clinical testing. Allele origin: germline.
Comment: This variant is classified as likely benign based on ACMG/AMP sequence variant interpretation guidelines (Richards et al. 2015 PMID: 25741868, with internal and published modifications).